The following is an entry in ClinVar:

ClinVar aggregate classification (germline): Likely benign (0 of 4 stars; one submission).

Conditions:
NTRK2-related disorder. Also called: NTRK2-related condition.

Submission:

PreventionGenetics, part of Exact Sciences
Classification: Likely benign for NTRK2-related condition. Last evaluated: 2024-06-19. Review status: no assertion criteria provided. Collection method: clinical testing. Allele origin: germline.
Comment: This variant is classified as likely benign based on ACMG/AMP sequence variant interpretation guidelines (Richards et al. 2015 PMID: 25741868, with internal and published modifications).

NM_006180.6(NTRK2):c.1770G>T (p.Leu590=)

Gene: NTRK2 (neurotrophic receptor tyrosine kinase 2; plus strand). Cytogenetic location: 9q21.33.
Variant type: single nucleotide variant.
Coding change: c.1770G>T on transcript NM_006180.6 (MANE Select); coding-DNA position 1770, G replaced by T.
Protein change: p.Leu590=; no amino-acid change (leucine 590 retained).
Molecular consequence: synonymous variant.
Genome position (GRCh38, 1-based): chr9:84,948,467, G>T. VCF-style: chr9-84948467-G-T. GRCh37 (hg19) VCF-style: chr9-87563382-G-T.
Other names: c.1722G>T, p.Leu574= (NM_001018064.3, NM_001369532.1, NM_001369533.1); c.1686G>T, p.Leu562= (NM_001369534.1); c.1254G>T, p.Leu418= (NM_001369535.1); c.1302G>T, p.Leu434= (NM_001369536.1).
Identifiers: ClinVar variation 3347555 (VCV003347555.1).
Genomic context (GRCh38, chr9:84,948,467, plus strand): 5'-CTCAGTATCATAGGGCCCACTGAAGTAATCCTTCTCTTTTAACACCCATCCCCAGACCCT[G>T]AAGGATGCCAGTGACAATGCACGCAAGGACTTCCACCGTGAGGCCGAGCTCCTGACCAAC-3'
Protein context (NP_006171.2, residues 580-600): QDKILVAVKT[Leu590=]KDASDNARKD